The following is an entry in ClinVar:

NM_000051.4(ATM):c.2131A>G (p.Asn711Asp)

Gene: ATM (ATM serine/threonine kinase; plus strand). Cytogenetic location: 11q22.3.
Variant type: single nucleotide variant.
Coding change: c.2131A>G on transcript NM_000051.4 (MANE Select); coding-DNA position 2131, A replaced by G.
Protein change: p.Asn711Asp; replaces asparagine 711 with aspartic acid.
Molecular consequence: missense variant.
Genome position (GRCh38, 1-based): chr11:108,256,221, A>G. VCF-style: chr11-108256221-A-G. GRCh37 (hg19) VCF-style: chr11-108126948-A-G.
Other names: c.2131A>G, p.Asn711Asp (NM_001351834.2); short protein forms N711D.
Identifiers: ClinVar variation 141316 (VCV000141316.17), dbSNP rs587781654, ClinGen allele CA165093.

ClinVar aggregate classification (germline): Conflicting classifications of pathogenicity. Review status: criteria provided, conflicting classifications (1 of 4 stars). 4 submissions from 4 submitters: Uncertain significance (3); Likely benign (1). Last evaluated 2024-08-08.

Conditions:
Hereditary cancer-predisposing syndrome. Also called: Neoplastic Syndromes, Hereditary; Hereditary Cancer Syndrome; Hereditary neoplastic syndrome; Tumor predisposition. Identifiers: Orphanet 140162, MedGen C0027672, MeSH D009386, MONDO:0015356.
Ataxia-telangiectasia syndrome (AT). Also called: Cerebello-oculocutaneous telangiectasia; Immunodeficiency with ataxia telangiectasia; Ataxia-telangiectasia, complementation group D; AT, COMPLEMENTATION GROUP C; ATAXIA-TELANGIECTASIA, FRESNO VARIANT; ATAXIA-TELANGIECTASIA, COMPLEMENTATION GROUP A. Identifiers: Orphanet 100, MedGen C0004135, MONDO:0008840, OMIM 208900.

Allele frequency attached by ClinVar (database versions not stated): gnomAD exomes below 0.00001; TOPMed below 0.00001; gnomAD 0.00001.
gnomAD v4.1: 3 of 1,604,320 alleles (0.00019%); highest among the groups gnomAD compares: Non-Finnish European, 0.00026%; no homozygotes.

Submissions (4):

Labcorp Genetics (formerly Invitae), Labcorp
Classification: Uncertain significance for Ataxia-telangiectasia syndrome. Last evaluated: 2024-08-08. Review status: criteria provided, single submitter. Criteria: Invitae Variant Classification Sherloc (09022015). Collection method: clinical testing. Allele origin: germline.
Comment: This sequence change replaces asparagine, which is neutral and polar, with aspartic acid, which is acidic and polar, at codon 711 of the ATM protein (p.Asn711Asp). This variant is not present in population databases (gnomAD no frequency). This variant has not been reported in the literature in individuals affected with ATM-related conditions. ClinVar contains an entry for this variant (Variation ID: 141316). An algorithm developed to predict the effect of missense changes on protein structure and function outputs the following: PolyPhen-2: "Benign". The aspartic acid amino acid residue is found in multiple mammalian species, which suggests that this missense change does not adversely affect protein function. In summary, the available evidence is currently insufficient to determine the role of this variant in disease. Therefore, it has been classified as a Variant of Uncertain Significance.

Ambry Genetics
Classification: Likely benign for Hereditary cancer-predisposing syndrome. Last evaluated: 2024-01-12. Review status: criteria provided, single submitter. Criteria: Ambry Variant Classification Scheme 2023. Collection method: clinical testing. Allele origin: germline.

GeneDx
Classification: Uncertain significance. Last evaluated: 2023-06-22. Review status: criteria provided, single submitter. Criteria: GeneDx Variant Classification Process June 2021. Collection method: clinical testing. Allele origin: germline. Affected: yes.
Comment: Not observed at significant frequency in large population cohorts (gnomAD); In silico analysis supports that this missense variant has a deleterious effect on protein structure/function; In silico analysis supports that this missense variant does not alter protein structure/function; Has not been previously published as pathogenic or benign to our knowledge

Color Diagnostics, LLC DBA Color Health
Classification: Uncertain significance for Hereditary cancer-predisposing syndrome. Last evaluated: 2020-09-03. Review status: criteria provided, single submitter. Criteria: ACMG Guidelines, 2015. Collection method: clinical testing. Allele origin: germline.
Comment: This missense variant replaces asparagine with aspartic acid at codon 711 of the ATM protein. Computational prediction suggests that this variant may not impact protein structure and function (internally defined REVEL score threshold <= 0.5, PMID: 27666373). To our knowledge, functional studies have not been reported for this variant. This variant has not been reported in individuals affected with hereditary cancer in the literature. This variant has not been identified in the general population by the Genome Aggregation Database (gnomAD). The available evidence is insufficient to determine the role of this variant in disease conclusively. Therefore, this variant is classified as a Variant of Uncertain Significance.